The following is an entry in ClinVar:

ClinVar aggregate classification (germline): Uncertain significance. Review status: criteria provided, multiple submitters, no conflicts (2 of 4 stars). 2 submissions from 2 submitters: Uncertain significance (2). Last evaluated 2025-12-16.

Conditions:
Inborn genetic diseases. Identifiers: MedGen C0950123, MeSH D030342.

Submissions (2):

Ambry Genetics
Classification: Uncertain significance for Inborn genetic diseases. Last evaluated: 2025-12-16. Review status: criteria provided, single submitter. Criteria: Ambry Variant Classification Scheme 2023. Collection method: clinical testing. Allele origin: germline.

CeGaT Center for Human Genetics Tuebingen
Classification: Uncertain significance. Last evaluated: 2022-03-01. Review status: criteria provided, single submitter. Criteria: CeGaT Center For Human Genetics Tuebingen Variant Classification Criteria Version 2. Collection method: clinical testing. Allele origin: germline. Affected: yes. Observed: 1 variant allele.
Comment: LRP6: PM2

NM_002336.3(LRP6):c.4354A>T (p.Met1452Leu)

Gene: LRP6 (LDL receptor related protein 6; minus strand). Cytogenetic location: 12p13.2.
Variant type: single nucleotide variant.
Coding change: c.4354A>T on transcript NM_002336.3 (MANE Select); coding-DNA position 4354, A replaced by T.
Protein change: p.Met1452Leu; replaces methionine 1452 with leucine.
Molecular consequence: missense variant. On other transcripts: non-coding transcript variant (1).
Genome position (GRCh38, 1-based): chr12:12,125,391, T>A on the plus strand (A>T on the coding strand, the complement: LRP6 is on the minus strand). VCF-style: chr12-12125391-T-A. GRCh37 (hg19) VCF-style: chr12-12278325-T-A.
Other names: c.4354A>T, p.Met1452Leu (NM_001414249.1, NM_001414250.1, NM_001414245.1 and 1 more transcripts); c.3991A>T, p.Met1331Leu (NM_001414251.1); c.3901A>T, p.Met1301Leu (NM_001414252.1, NM_001414253.1, NM_001414254.1); c.3847A>T, p.Met1283Leu (NM_001414255.1); c.4447A>T, p.Met1483Leu (NM_001414244.1); c.4219A>T, p.Met1407Leu (NM_001414246.1); c.4156A>T, p.Met1386Leu (NM_001414247.1); c.4354A>T (NM_002336.2); short protein forms M1331L, M1386L, M1407L, M1452L, M1483L, M1283L, M1301L.
Identifiers: ClinVar variation 2642734 (VCV002642734.24), dbSNP rs1055492228, ClinGen allele CA383948534.